The following is an entry in ClinVar:

ClinVar aggregate classification (germline): Likely benign (1 of 4 stars; one submission).

Submission:

CeGaT Center for Human Genetics Tuebingen
Classification: Likely benign. Last evaluated: 2025-02-01. Review status: criteria provided, single submitter. Criteria: CeGaT Center For Human Genetics Tuebingen Variant Classification Criteria Version 2. Collection method: clinical testing. Allele origin: germline. Affected: yes. Observed: 1 variant allele.
Comment: CYFIP2: PM2:Supporting, BP4, BP7

NM_001037333.3(CYFIP2):c.1419G>A (p.Gln473=)

Gene: CYFIP2 (cytoplasmic FMR1 interacting protein 2; plus strand). Cytogenetic location: 5q33.3.
Variant type: single nucleotide variant.
Coding change: c.1419G>A on transcript NM_001037333.3 (MANE Select); coding-DNA position 1419, G replaced by A.
Protein change: p.Gln473=; no amino-acid change (glutamine 473 retained).
Molecular consequence: synonymous variant.
Genome position (GRCh38, 1-based): chr5:157,319,824, G>A. VCF-style: chr5-157319824-G-A. GRCh37 (hg19) VCF-style: chr5-156746832-G-A.
Other names: c.1341G>A, p.Gln447= (NM_001291721.2); c.1419G>A, p.Gln473= (NM_001291722.2, NM_014376.4).
Identifiers: ClinVar variation 3772432 (VCV003772432.13).